The following is an entry in ClinVar:

ClinVar aggregate classification (germline): Uncertain significance (1 of 4 stars; one submission).

Conditions:
Inborn genetic diseases. Identifiers: MedGen C0950123, MeSH D030342.

Submission:

Ambry Genetics
Classification: Uncertain significance for Inborn genetic diseases. Last evaluated: 2026-09-06. Review status: criteria provided, single submitter. Criteria: Ambry Variant Classification Scheme 2023. Collection method: clinical testing. Allele origin: germline.
Comment: The p.Q203E variant (also known as c.607C>G), located in coding exon 6 of the AKT1 gene, results from a C to G substitution at nucleotide position 607. The glutamine at codon 203 is replaced by glutamic acid, an amino acid with highly similar properties. This amino acid position is conserved. In addition, the in silico prediction for this alteration is inconclusive. Based on the available evidence, the clinical significance of this variant remains unclear.

NM_001382430.1(AKT1):c.607C>G (p.Gln203Glu)

Gene: AKT1 (AKT serine/threonine kinase 1; minus strand). Cytogenetic location: 14q32.33.
Variant type: single nucleotide variant.
Coding change: c.607C>G on transcript NM_001382430.1 (MANE Select); coding-DNA position 607, C replaced by G.
Protein change: p.Gln203Glu; replaces glutamine 203 with glutamic acid.
Molecular consequence: missense variant.
Genome position (GRCh38, 1-based): chr14:104,774,964, G>C on the plus strand (C>G on the coding strand, the complement: AKT1 is on the minus strand). VCF-style: chr14-104774964-G-C. GRCh37 (hg19) VCF-style: chr14-105241301-G-C.
Other names: c.607C>G, p.Gln203Glu (NM_001382433.1, NM_005163.2, NM_001014431.2 and 3 more transcripts); short protein forms Q203E.
Identifiers: ClinVar variation 5034472 (VCV005034472.1).